The following is an entry in ClinVar:

NM_005566.4(LDHA):c.83T>C (p.Val28Ala)

Gene: LDHA (lactate dehydrogenase A; plus strand). Cytogenetic location: 11p15.1.
Variant type: single nucleotide variant.
Coding change: c.83T>C on transcript NM_005566.4 (MANE Select); coding-DNA position 83, T replaced by C.
Protein change: p.Val28Ala; replaces valine 28 with alanine.
Molecular consequence: missense variant. On other transcripts: non-coding transcript variant (1).
Genome position (GRCh38, 1-based): chr11:18,396,925, T>C. VCF-style: chr11-18396925-T-C. GRCh37 (hg19) VCF-style: chr11-18418472-T-C.
Other names: c.83T>C, p.Val28Ala (NM_001135239.2, NM_001165415.2, NM_001165416.2); c.170T>C, p.Val57Ala (NM_001165414.2); short protein forms V28A, V57A.
Identifiers: ClinVar variation 2097402 (VCV002097402.3), dbSNP rs776016684, ClinGen allele CA218581757.
Genomic context (GRCh38, chr11:18,396,925, plus strand): 5'-TGATTTATAATCTTCTAAAGGAAGAACAGACCCCCCAGAATAAGATTACAGTTGTTGGGG[T>C]TGGTGCTGTTGGCATGGCCTGTGCCATCAGTATCTTAATGAAGGTAAGTGAGAGTCTACC-3'
Protein context (NP_005557.1, residues 18-38): TPQNKITVVG[Val28Ala]GAVGMACAIS

ClinVar aggregate classification (germline): Uncertain significance (1 of 4 stars; one submission).

Conditions:
Glycogen storage disease due to lactate dehydrogenase M-subunit deficiency (GSD11). Also called: Glycogen storage disease XI; GSD XI; LACTATE DEHYDROGENASE A DEFICIENCY. Identifiers: Orphanet 284426, MedGen C2931743, MONDO:0013047, OMIM 612933.

Allele frequency attached by ClinVar (database versions not stated): gnomAD exomes below 0.00001.
gnomAD v4.1: 6 of 1,613,934 alleles (0.00037%); highest among the groups gnomAD compares: South Asian, 0.0066%; no homozygotes.

Submission:

Labcorp Genetics (formerly Invitae), Labcorp
Classification: Uncertain significance for Glycogen storage disease due to lactate dehydrogenase M-subunit deficiency. Last evaluated: 2023-12-07. Review status: criteria provided, single submitter. Criteria: Invitae Variant Classification Sherloc (09022015). Collection method: clinical testing. Allele origin: germline.
Comment: This sequence change replaces valine, which is neutral and non-polar, with alanine, which is neutral and non-polar, at codon 28 of the LDHA protein (p.Val28Ala). This variant is present in population databases (rs776016684, gnomAD 0.003%). This variant has not been reported in the literature in individuals affected with LDHA-related conditions. ClinVar contains an entry for this variant (Variation ID: 2097402). Advanced modeling of protein sequence and biophysical properties (such as structural, functional, and spatial information, amino acid conservation, physicochemical variation, residue mobility, and thermodynamic stability) performed at Invitae indicates that this missense variant is not expected to disrupt LDHA protein function with a negative predictive value of 80%. In summary, the available evidence is currently insufficient to determine the role of this variant in disease. Therefore, it has been classified as a Variant of Uncertain Significance.